The following is an entry in ClinVar:

NM_002361.4(MAG):c.327C>T (p.Pro109=)

Gene: MAG (myelin associated glycoprotein; plus strand). Cytogenetic location: 19q13.12.
Variant type: single nucleotide variant.
Coding change: c.327C>T on transcript NM_002361.4 (MANE Select); coding-DNA position 327, C replaced by T.
Protein change: p.Pro109=; no amino-acid change (proline 109 retained).
Molecular consequence: synonymous variant.
Genome position (GRCh38, 1-based): chr19:35,295,893, C>T. VCF-style: chr19-35295893-C-T. GRCh37 (hg19) VCF-style: chr19-35786796-C-T.
Other names: c.252C>T, p.Pro84= (NM_001199216.2); c.327C>T, p.Pro109= (NM_080600.3).
Identifiers: ClinVar variation 4874223 (VCV004874223.2).
Genomic context (GRCh38, chr19:35,295,893, plus strand): 5'-CCGCCTCCTGGGGGACCTGGGCCTGCGAAACTGCACCCTCCTGCTCAGCAACGTCAGCCC[C>T]GAGCTGGGCGGGAAGTACTACTTCCGTGGGGACCTGGGCGGCTACAACCAGTACACCTTC-3'
Protein context (NP_002352.1, residues 99-119): NCTLLLSNVS[Pro109=]ELGGKYYFRG

ClinVar aggregate classification (germline): Likely benign (1 of 4 stars; one submission).

Submission:

CeGaT Center for Human Genetics Tuebingen
Classification: Likely benign. Last evaluated: 2026-05-01. Review status: criteria provided, single submitter. Criteria: CeGaT Center For Human Genetics Tuebingen Variant Classification Criteria Version 2. Collection method: clinical testing. Allele origin: germline. Affected: yes. Observed: 1 variant allele.
Comment: MAG: BP4, BP7